The following is an entry in ClinVar:

NM_005050.4(ABCD4):c.668+7C>T

Gene: ABCD4 (ATP binding cassette subfamily D member 4; minus strand). Cytogenetic location: 14q24.3.
Variant type: single nucleotide variant.
Coding change: c.668+7C>T on transcript NM_005050.4 (MANE Select); 7 bases into the intron after coding-DNA position 668, C replaced by T.
Molecular consequence: intron variant.
Genome position (GRCh38, 1-based): chr14:74,295,847, G>A on the plus strand (C>T on the coding strand, the complement: ABCD4 is on the minus strand). VCF-style: chr14-74295847-G-A. GRCh37 (hg19) VCF-style: chr14-74762550-G-A.
Other names: p.?; c.-27+7C>T (NM_001353607.2, NM_001353604.2, NM_001353603.2 and 6 more transcripts); c.191+7C>T (NM_001353598.2, NM_001353601.2, NM_001353600.2 and 2 more transcripts); c.407+7C>T (NM_001353594.2, NM_001353593.2); c.254+7C>T (NM_001353597.2, NM_001353596.2, NM_001353595.2); c.542+486C>T (NM_001353591.2, NM_001353592.2); c.668+7C>T (NM_020325.3).
Identifiers: ClinVar variation 380500 (VCV000380500.12), dbSNP rs61757464, ClinGen allele CA7267135.
Genomic context (GRCh38, chr14:74,295,847, plus strand): 5'-TTTACTCCAGATCCCCTTCCTTAACTATTATGCCCCAGCCCAGAAACCTCAAGTGAGGGA[G>A]ACACACCTAAAATCTCCCTCCAGCTTCTCCTGATGCACCAGCTTCATCACAATGGGGCCC-3'

ClinVar aggregate classification (germline): Benign. Review status: criteria provided, multiple submitters, no conflicts (2 of 4 stars). 4 submissions from 4 submitters: Benign (4). Last evaluated 2026-02-04.

Conditions:
Methylmalonic acidemia with homocystinuria, type cblJ (MAHCJ). Also called: METHYLMALONIC ACIDURIA AND HOMOCYSTINURIA, cblJ TYPE. Identifiers: Orphanet 369955, MedGen C3553915, MONDO:0013925, OMIM 614857.

Allele frequency attached by ClinVar (database versions not stated): gnomAD exomes 0.00640 and 0.01682; ExAC 0.02061; gnomAD 0.06546 and 0.06982; TOPMed 0.06971; 1000 Genomes Project 0.07308; ESP Exome Variant Server 0.07473; 1000 Genomes Project 30x 0.08026.
gnomAD v4.1: 19,720 of 1,613,268 alleles (1.2%); highest among the groups gnomAD compares: African/African-American, 23%; 2,022 homozygotes.

Submissions (4):

Labcorp Genetics (formerly Invitae), Labcorp
Classification: Benign for Methylmalonic acidemia with homocystinuria, type cblJ. Last evaluated: 2026-02-04. Review status: criteria provided, single submitter. Criteria: Invitae Variant Classification Sherloc (09022015). Collection method: clinical testing. Allele origin: germline.

Mayo Clinic Laboratories, Mayo Clinic
Classification: Benign. Last evaluated: 2022-07-22. Review status: criteria provided, single submitter. Criteria: ACMG Guidelines, 2015. Collection method: clinical testing. Allele origin: germline. Observed: 5 variant alleles.

GeneDx
Classification: Benign. Last evaluated: 2016-02-23. Review status: criteria provided, single submitter. Criteria: GeneDx Variant Classification (06012015). Collection method: clinical testing. Allele origin: germline. Affected: yes.
Comment: This variant is considered likely benign or benign based on one or more of the following criteria: it is a conservative change, it occurs at a poorly conserved position in the protein, it is predicted to be benign by multiple in silico algorithms, and/or has population frequency not consistent with disease.

Breakthrough Genomics
Classification: Benign. Review status: criteria provided, single submitter. Criteria: ACMG Guidelines, 2015. Collection method: not provided. Allele origin: germline. Inheritance: Autosomal recessive inheritance. Affected: yes.